The following is an entry in ClinVar:

ClinVar aggregate classification (germline): Pathogenic (1 of 4 stars; one submission).

Conditions:
Neurofibromatosis, type 1 (NF1). Also called: VON RECKLINGHAUSEN DISEASE; Peripheral type neurofibromatosis; NEUROFIBROMATOSIS, TYPE I, SOMATIC; Neurofibromatosis, type I. Identifiers: Orphanet 636, MedGen C0027831, MONDO:0018975, OMIM 162200. Disease mechanism: loss of function.

Submission:

Labcorp Genetics (formerly Invitae), Labcorp
Classification: Pathogenic for Neurofibromatosis, type 1. Last evaluated: 2025-03-11. Review status: criteria provided, single submitter. Criteria: Invitae Variant Classification Sherloc (09022015). Collection method: clinical testing. Allele origin: germline.
Comment: This sequence change creates a premature translational stop signal (p.Ser1463Ilefs*2) in the NF1 gene. It is expected to result in an absent or disrupted protein product. Loss-of-function variants in NF1 are known to be pathogenic (PMID: 10712197, 23913538). This variant is not present in population databases (gnomAD no frequency). This variant has not been reported in the literature in individuals affected with NF1-related conditions. Algorithms developed to predict the effect of sequence changes on RNA splicing suggest that this variant may disrupt the consensus splice site. For these reasons, this variant has been classified as Pathogenic.

Literature cited by the submitters: PubMed 10712197; PubMed 23913538.

NM_001042492.3(NF1):c.4442_4449dup (p.Ser1484delinsIleTer)

Gene: NF1 (neurofibromin 1; plus strand). Cytogenetic location: 17q11.2.
Variant type: Duplication.
Coding change: c.4442_4449dup on transcript NM_001042492.3 (MANE Select); coding-DNA positions 4442 to 4449, 8 bases duplicated (ATATAGCA; older notation c.4442_4449dupATATAGCA).
Protein change: p.Ser1484delinsIleTer.
Molecular consequence: nonsense.
Genome position (GRCh38, 1-based): chr17:31,260,380-31,260,387, ATATAGCA duplicated. VCF-style (leftmost placement, unchanged base first): chr17-31260379-G-GATATAGCA. GRCh37 (hg19) VCF-style: chr17-29587397-G-GATATAGCA.
Other names: c.4379_4386dup, p.Ser1463delinsIleTer (NM_000267.4).
Identifiers: ClinVar variation 4714842 (VCV004714842.1).